The following is an entry in ClinVar:

ClinVar aggregate classification (germline): Uncertain significance (1 of 4 stars; one submission).

Submission:

Labcorp Genetics (formerly Invitae), Labcorp
Classification: Uncertain significance. Last evaluated: 2023-09-12. Review status: criteria provided, single submitter. Criteria: Invitae Variant Classification Sherloc (09022015). Collection method: clinical testing. Allele origin: germline.
Comment: In summary, the available evidence is currently insufficient to determine the role of this variant in disease. Therefore, it has been classified as a Variant of Uncertain Significance. Algorithms developed to predict the effect of sequence changes on RNA splicing suggest that this variant may create or strengthen a splice site. This sequence change affects codon 188 of the POLD2 mRNA. It is a 'silent' change, meaning that it does not change the encoded amino acid sequence of the POLD2 protein. This variant is not present in population databases (gnomAD no frequency). This variant has not been reported in the literature in individuals affected with POLD2-related conditions.

NM_006230.4(POLD2):c.457C>T (p.Leu153=)

Gene: POLD2 (DNA polymerase delta 2, accessory subunit; minus strand). Cytogenetic location: 7p13.
Variant type: single nucleotide variant.
Coding change: c.457C>T on transcript NM_006230.4 (MANE Select); coding-DNA position 457, C replaced by T.
Protein change: p.Leu153=; no amino-acid change (leucine 153 retained).
Molecular consequence: synonymous variant.
Genome position (GRCh38, 1-based): chr7:44,117,628, G>A on the plus strand (C>T on the coding strand, the complement: POLD2 is on the minus strand). VCF-style: chr7-44117628-G-A. GRCh37 (hg19) VCF-style: chr7-44157227-G-A.
Other names: c.457C>T, p.Leu153= (NM_001127218.3, NM_001256879.2).
Identifiers: ClinVar variation 2874548 (VCV002874548.3), dbSNP rs2484393376, ClinGen allele CA454587174.